The following is an entry in ClinVar:

ClinVar aggregate classification (germline): Uncertain significance (1 of 4 stars; one submission).

Conditions:
Sifrim-Hitz-Weiss syndrome (SIHIWES). Also called: CHD4 Neurodevelopmental Disorder; SIFRIM-HITZ-WEISS MULTIPLE CONGENITAL ANOMALIES-MENTAL RETARDATION SYNDROME. Identifiers: Orphanet 653712, MedGen C4310688, MONDO:0014946, OMIM 617159.

Allele frequency attached by ClinVar (database versions not stated): gnomAD exomes below 0.00001; ExAC 0.00001.
gnomAD v4.1: 1 of 1,609,392 alleles (0.000062%); highest among the groups gnomAD compares: Non-Finnish European, 0.000085%; no homozygotes.

Submission:

Baylor Genetics
Classification: Uncertain significance for Sifrim-Hitz-Weiss syndrome. Last evaluated: 2018-05-14. Review status: criteria provided, single submitter. Criteria: ACMG Guidelines, 2015. Collection method: clinical testing. Allele origin: paternal. Affected: yes.
Comment: This variant was determined to be of uncertain significance according to ACMG Guidelines, 2015 [PMID:25741868].

NM_001273.5(CHD4):c.4982-11A>G

Genes: CHD4 (chromodomain helicase DNA binding protein 4; minus strand), CHD4-AS1 (CHD4 antisense RNA 1; plus strand). Cytogenetic location: 12p13.31.
Variant type: single nucleotide variant.
Coding change: c.4982-11A>G on transcript NM_001273.5 (MANE Select); 11 bases into the intron before coding-DNA position 4982, A replaced by G.
Molecular consequence: intron variant.
Genome position (GRCh38, 1-based): chr12:6,578,557, T>C on the plus strand (A>G on the coding strand, the complement: CHD4 is on the minus strand). VCF-style: chr12-6578557-T-C. GRCh37 (hg19) VCF-style: chr12-6687723-T-C.
Other names: c.4949-11A>G (NM_001363606.2); c.4961-11A>G (NM_001297553.2).
Identifiers: ClinVar variation 1033399 (VCV001033399.1), dbSNP rs760621559, ClinGen allele CA6411329.